The following is an entry in ClinVar:

ClinVar aggregate classification (germline): Uncertain significance (1 of 4 stars; one submission).

Conditions:
Joubert syndrome 15 (JBTS15). Identifiers: Orphanet 475, MedGen C3280897, MONDO:0013763, OMIM 614464.

Submission:

Labcorp Genetics (formerly Invitae), Labcorp
Classification: Uncertain significance for Joubert syndrome 15. Last evaluated: 2022-03-10. Review status: criteria provided, single submitter. Criteria: Invitae Variant Classification Sherloc (09022015). Collection method: clinical testing. Allele origin: germline.
Comment: In summary, the available evidence is currently insufficient to determine the role of this variant in disease. Therefore, it has been classified as a Variant of Uncertain Significance. Algorithms developed to predict the effect of missense changes on protein structure and function (SIFT, PolyPhen-2, Align-GVGD) all suggest that this variant is likely to be disruptive. This variant has not been reported in the literature in individuals affected with CEP41-related conditions. This variant is not present in population databases (gnomAD no frequency). This sequence change replaces isoleucine, which is neutral and non-polar, with asparagine, which is neutral and polar, at codon 143 of the CEP41 protein (p.Ile143Asn).

NM_018718.3(CEP41):c.428T>A (p.Ile143Asn)

Gene: CEP41 (centrosomal protein 41; minus strand). Cytogenetic location: 7q32.2.
Variant type: single nucleotide variant.
Coding change: c.428T>A on transcript NM_018718.3 (MANE Select); coding-DNA position 428, T replaced by A.
Protein change: p.Ile143Asn; replaces isoleucine 143 with asparagine.
Molecular consequence: missense variant. On other transcripts: non-coding transcript variant (1).
Genome position (GRCh38, 1-based): chr7:130,402,794, A>T on the plus strand (T>A on the coding strand, the complement: CEP41 is on the minus strand). VCF-style: chr7-130402794-A-T. GRCh37 (hg19) VCF-style: chr7-130042635-A-T.
Other names: c.428T>A, p.Ile143Asn (NM_001257158.2); c.380T>A, p.Ile127Asn (NM_001257159.2); short protein forms I143N, I127N.
Identifiers: ClinVar variation 1476733 (VCV001476733.6), dbSNP rs782614635, ClinGen allele CA369288990.